The following is an entry in ClinVar:

NM_001377.3(DYNC2H1):c.6348-31A>G

Gene: DYNC2H1 (dynein cytoplasmic 2 heavy chain 1; plus strand). Cytogenetic location: 11q22.3.
Variant type: single nucleotide variant.
Coding change: c.6348-31A>G on transcript NM_001377.3 (MANE Select); 31 bases into the intron before coding-DNA position 6348, A replaced by G.
Molecular consequence: intron variant.
Genome position (GRCh38, 1-based): chr11:103,181,726, A>G. VCF-style: chr11-103181726-A-G. GRCh37 (hg19) VCF-style: chr11-103052455-A-G.
Other names: c.6348-31A>G (NM_001080463.2).
Identifiers: ClinVar variation 2581817 (VCV002581817.1), dbSNP rs1565373253, ClinGen allele CA1996417121.

ClinVar aggregate classification (germline): Uncertain significance (1 of 4 stars; one submission).

Allele frequency attached by ClinVar (database versions not stated): gnomAD exomes below 0.00001.
gnomAD v4.1: 4 of 1,504,512 alleles (0.00027%); highest among the groups gnomAD compares: South Asian, 0.0013%; no homozygotes.

Submission:

GeneDx
Classification: Uncertain significance. Last evaluated: 2023-03-28. Review status: criteria provided, single submitter. Criteria: GeneDx Variant Classification Process June 2021. Collection method: clinical testing. Allele origin: germline. Affected: yes.
Comment: Not observed at significant frequency in large population cohorts (gnomAD); In silico analysis supports a deleterious effect on splicing; Has not been previously published as pathogenic or benign to our knowledge